The following is an entry in ClinVar:

ClinVar aggregate classification (germline): Uncertain significance. Review status: criteria provided, multiple submitters, no conflicts (2 of 4 stars). 3 submissions from 3 submitters: Uncertain significance (3). Last evaluated 2025-09-26.

Allele frequency attached by ClinVar (database versions not stated): gnomAD exomes below 0.00001 and 0.00001; ExAC 0.00001; gnomAD 0.00003; TOPMed 0.00003.
gnomAD v4.1: 10 of 1,613,818 alleles (0.00062%); highest among the groups gnomAD compares: South Asian, 0.0011%; no homozygotes.

Submissions (3):

Ambry Genetics
Classification: Uncertain significance. Last evaluated: 2025-09-26. Review status: criteria provided, single submitter. Criteria: Ambry Variant Classification Scheme 2023. Collection method: clinical testing. Allele origin: germline.
Comment: The p.G178V variant (also known as c.533G>T), located in coding exon 6 of the FAM175A gene, results from a G to T substitution at nucleotide position 533. The glycine at codon 178 is replaced by valine, an amino acid with dissimilar properties. This amino acid position is conserved. In addition, the in silico prediction for this alteration is inconclusive. Since supporting evidence is limited at this time, the clinical significance of this alteration remains unclear.

Labcorp Genetics (formerly Invitae), Labcorp
Classification: Uncertain significance. Last evaluated: 2022-09-10. Review status: criteria provided, single submitter. Criteria: Invitae Variant Classification Sherloc (09022015). Collection method: clinical testing. Allele origin: germline.
Comment: Advanced modeling of protein sequence and biophysical properties (such as structural, functional, and spatial information, amino acid conservation, physicochemical variation, residue mobility, and thermodynamic stability) has been performed at Invitae for this missense variant, however the output from this modeling did not meet the statistical confidence thresholds required to predict the impact of this variant on ABRAXAS1 protein function. In summary, the available evidence is currently insufficient to determine the role of this variant in disease. Therefore, it has been classified as a Variant of Uncertain Significance. ClinVar contains an entry for this variant (Variation ID: 1040683). This variant has not been reported in the literature in individuals affected with ABRAXAS1-related conditions. This variant is present in population databases (rs773434048, gnomAD 0.002%). This sequence change replaces glycine, which is neutral and non-polar, with valine, which is neutral and non-polar, at codon 178 of the ABRAXAS1 protein (p.Gly178Val).

Women's Health and Genetics/Laboratory Corporation of America, LabCorp
Classification: Uncertain significance. Last evaluated: 2022-01-20. Review status: criteria provided, single submitter. Criteria: LabCorp Variant Classification Summary - May 2015. Collection method: clinical testing. Allele origin: germline.
Comment: Variant summary: FAM175A c.533G>T (p.Gly178Val) results in a non-conservative amino acid change in the encoded protein sequence. Four of five in-silico tools predict a damaging effect of the variant on protein function. The variant allele was found at a frequency of 8e-06 in 251448 control chromosomes (gnomAD). The available data on variant occurrences in the general population are insufficient to allow any conclusion about variant significance. To our knowledge, no occurrence of c.533G>T in individuals affected with with Hereditary Breast And Ovarian Cancer Syndrome and no experimental evidence demonstrating its impact on protein function have been reported. A ClinVar submitter (evaluation after 2014) cites the variant as uncertain significance. Based on the evidence outlined above, the variant was classified as uncertain significance.

Literature cited by the submitters: PubMed 33471991 (cited by Women's Health and Genetics/Laboratory Corporation of America, LabCorp).

NM_139076.3(ABRAXAS1):c.533G>T (p.Gly178Val)

Gene: ABRAXAS1 (abraxas 1, BRCA1 A complex subunit; minus strand). Cytogenetic location: 4q21.23.
Variant type: single nucleotide variant.
Coding change: c.533G>T on transcript NM_139076.3 (MANE Select); coding-DNA position 533, G replaced by T.
Protein change: p.Gly178Val; replaces glycine 178 with valine.
Molecular consequence: missense variant.
Genome position (GRCh38, 1-based): chr4:83,469,095, C>A on the plus strand (G>T on the coding strand, the complement: ABRAXAS1 is on the minus strand). VCF-style: chr4-83469095-C-A. GRCh37 (hg19) VCF-style: chr4-84390248-C-A.
Other names: c.206G>T, p.Gly69Val (NM_001345962.2); short protein forms G178V, G69V.
Identifiers: ClinVar variation 1040683 (VCV001040683.13), dbSNP rs773434048, ClinGen allele CA2990524.
Genomic context (GRCh38, chr4:83,469,095, plus strand): 5'-TGTGTTTGTACTGCTCGGCTAAAACCAGTGGACATACAGGAACCTGATACAGTTTTATAA[C>A]CCAGTTGTTCAGACATGCCCAGATTGGCAACCACTAAAGGTACCCTGTGAAAAAGTCTGA-3'
Protein context (NP_620775.2, residues 168-188): VANLGMSEQL[Gly178Val]YKTVSGSCMS